The following is an entry in ClinVar:

ClinVar aggregate classification (germline): Uncertain significance (1 of 4 stars; one submission).

Submission:

Ambry Genetics
Classification: Uncertain significance. Last evaluated: 2024-08-21. Review status: criteria provided, single submitter. Criteria: Ambry Variant Classification Scheme 2023. Collection method: clinical testing. Allele origin: germline.
Comment: The p.V462L variant (also known as c.1384G>C), located in coding exon 13 of the PRKDC gene, results from a G to C substitution at nucleotide position 1384. The valine at codon 462 is replaced by leucine, an amino acid with highly similar properties. This amino acid position is conserved. In addition, this alteration is predicted to be tolerated by in silico analysis. Based on the available evidence, the clinical significance of this variant remains unclear.

NM_006904.7(PRKDC):c.1384G>C (p.Val462Leu)

Gene: PRKDC (protein kinase, DNA-activated, catalytic subunit; minus strand). Cytogenetic location: 8q11.21.
Variant type: single nucleotide variant.
Coding change: c.1384G>C on transcript NM_006904.7 (MANE Select); coding-DNA position 1384, G replaced by C.
Protein change: p.Val462Leu; replaces valine 462 with leucine.
Molecular consequence: missense variant.
Genome position (GRCh38, 1-based): chr8:47,935,795, C>G on the plus strand (G>C on the coding strand, the complement: PRKDC is on the minus strand). VCF-style: chr8-47935795-C-G. GRCh37 (hg19) VCF-style: chr8-48848355-C-G.
Other names: c.1384G>C, p.Val462Leu (NM_001081640.2); short protein forms V462L.
Identifiers: ClinVar variation 3425304 (VCV003425304.1).